The following is an entry in ClinVar:

ClinVar aggregate classification (germline): Benign. Review status: criteria provided, multiple submitters, no conflicts (2 of 4 stars). 2 submissions from 2 submitters: Benign (2). Last evaluated 2018-06-14.

Allele frequency attached by ClinVar (database versions not stated): gnomAD 0.99463 and 0.99499; TOPMed 0.99476; 1000 Genomes Project 30x 0.99547; 1000 Genomes Project 0.99561; gnomAD exomes 0.99956.
gnomAD v4.1: 1,021,929 of 1,023,090 alleles (100%); highest among the groups gnomAD compares: Non-Finnish European, 100%; 510,394 homozygotes.

Submissions (2):

GeneDx
Classification: Benign. Last evaluated: 2018-06-14. Review status: criteria provided, single submitter. Criteria: GeneDx Variant Classification (06012015). Collection method: clinical testing. Allele origin: germline. Affected: yes.
Comment: This variant is considered likely benign or benign based on one or more of the following criteria: it is a conservative change, it occurs at a poorly conserved position in the protein, it is predicted to be benign by multiple in silico algorithms, and/or has population frequency not consistent with disease.

Breakthrough Genomics
Classification: Benign. Review status: criteria provided, single submitter. Criteria: ACMG Guidelines, 2015. Collection method: not provided. Allele origin: germline. Inheritance: Autosomal recessive inheritance. Affected: yes.

NM_012062.5(DNM1L):c.250+106G>A

Gene: DNM1L (dynamin 1 like; plus strand). Cytogenetic location: 12p11.21.
Variant type: single nucleotide variant.
Coding change: c.250+106G>A on transcript NM_012062.5 (MANE Select); 106 bases into the intron after coding-DNA position 250, G replaced by A.
Molecular consequence: intron variant.
Genome position (GRCh38, 1-based): chr12:32,701,668, G>A. VCF-style: chr12-32701668-G-A. GRCh37 (hg19) VCF-style: chr12-32854602-G-A.
Other names: c.250+106G>A (NM_001278464.2, NM_001278465.2, NM_001330380.2 and 3 more transcripts); c.45+106G>A (NM_001278466.2).
Identifiers: ClinVar variation 671551 (VCV000671551.2), dbSNP rs9737752, ClinGen allele CA235235913.